The following is an entry in ClinVar:

NM_000179.3(MSH6):c.1819del (p.Thr607fs)

Gene: MSH6 (mutS homolog 6; plus strand). Cytogenetic location: 2p16.3.
Variant type: Deletion.
Coding change: c.1819del on transcript NM_000179.3 (MANE Select); coding-DNA position 1819, one base deleted (A; older notation c.1819delA).
Protein change: p.Thr607fs; shifts the reading frame from threonine 607.
Molecular consequence: frameshift variant.
Genome position (GRCh38, 1-based): chr2:47,799,802, A deleted; the last of 4 consecutive A bases (chr2:47,799,799-47,799,802); deleting any one gives the same sequence. VCF-style (leftmost placement, unchanged base first): chr2-47799798-TA-T. GRCh37 (hg19) VCF-style: chr2-48026937-TA-T.
Other names: c.1819delA (NM_000179.2); c.1429del, p.Thr477fs (NM_001281492.2); c.913del, p.Thr305fs (NM_001281493.2, NM_001281494.2); short protein forms T477fs, T607fs, T305fs.
Identifiers: ClinVar variation 643882 (VCV000643882.13), dbSNP rs587779221, ClinGen allele CA915943922.
Genomic context (GRCh38, chr2:47,799,798, plus strand): 5'-AGTGGCACACTATCCCCCAGTACAAGTTTTATTTGAAAAAGGAAATCTCTCAAAGGAAAC[TA>T]AAACAATTCTAAAGAGTTCATTGTCCTGTTCTCTTCAGGAAGGTCTGATACCCGGCTCCC-3'

ClinVar aggregate classification (germline): Pathogenic. Review status: criteria provided, multiple submitters, no conflicts (2 of 4 stars). 3 submissions from 3 submitters: Pathogenic (2). 1 of the submissions does not count toward it. Last evaluated 2025-12-11.

Conditions:
Lynch-like syndrome.
Hereditary nonpolyposis colorectal neoplasms. Identifiers: MedGen C0009405, MeSH D003123.
Hereditary cancer-predisposing syndrome. Also called: Neoplastic Syndromes, Hereditary; Tumor predisposition; Hereditary neoplastic syndrome; Hereditary Cancer Syndrome. Identifiers: Orphanet 140162, MedGen C0027672, MeSH D009386, MONDO:0015356.

Submissions (3):

Ambry Genetics
Classification: Pathogenic for Hereditary cancer-predisposing syndrome. Last evaluated: 2025-12-11. Review status: criteria provided, single submitter. Criteria: Ambry Variant Classification Scheme 2023. Collection method: clinical testing. Allele origin: germline.
Comment: The c.1819delA pathogenic mutation, located in coding exon 4 of the MSH6 gene, results from a deletion of one nucleotide at nucleotide position 1819, causing a translational frameshift with a predicted alternate stop codon (p.T607Qfs*3). This variant is considered to be rare based on population cohorts in the Genome Aggregation Database (gnomAD). This alteration is expected to result in loss of function by premature protein truncation or nonsense-mediated mRNA decay. As such, this alteration is interpreted as a disease-causing mutation.

Labcorp Genetics (formerly Invitae), Labcorp
Classification: Pathogenic for Hereditary nonpolyposis colorectal neoplasms. Last evaluated: 2025-12-10. Review status: criteria provided, single submitter. Criteria: Invitae Variant Classification Sherloc (09022015). Collection method: clinical testing. Allele origin: germline.
Comment: This sequence change creates a premature translational stop signal (p.Thr607Glnfs*3) in the MSH6 gene. It is expected to result in an absent or disrupted protein product. Loss-of-function variants in MSH6 are known to be pathogenic (PMID: 18269114, 24362816). This variant is not present in population databases (gnomAD no frequency). This variant has not been reported in the literature in individuals affected with MSH6-related conditions. ClinVar contains an entry for this variant (Variation ID: 643882). For these reasons, this variant has been classified as Pathogenic.

Constitutional Genetics Lab, Leon Berard Cancer Center
Classification: Pathogenic for Lynch-like syndrome. Last evaluated: 2019-07-01. Review status: no assertion criteria provided. Collection method: clinical testing. Allele origin: somatic. Affected: yes. Not counted in ClinVar's aggregate classification.

Literature cited by the submitters: PubMed 18269114 (cited by Labcorp Genetics (formerly Invitae), Labcorp); PubMed 24362816 (cited by Labcorp Genetics (formerly Invitae), Labcorp).